The following is an entry in ClinVar:

NM_006440.5(TXNRD2):c.53G>A (p.Arg18Gln)

Genes: TXNRD2 (thioredoxin reductase 2; minus strand), LOC130066960 (ATAC-STARR-seq lymphoblastoid silent region 13467; plus strand). Cytogenetic location: 22q11.21.
Variant type: single nucleotide variant.
Coding change: c.53G>A on transcript NM_006440.5 (MANE Select); coding-DNA position 53, G replaced by A.
Protein change: p.Arg18Gln; replaces arginine 18 with glutamine.
Molecular consequence: missense variant. On other transcripts: non-coding transcript variant (1).
Genome position (GRCh38, 1-based): chr22:19,941,751, C>T on the plus strand (G>A on the coding strand, the complement: TXNRD2 is on the minus strand). VCF-style: chr22-19941751-C-T. GRCh37 (hg19) VCF-style: chr22-19929274-C-T.
Other names: c.53G>A, p.Arg18Gln (NM_001282512.3, NM_001352300.2); short protein forms R18Q.
Identifiers: ClinVar variation 1699847 (VCV001699847.3), dbSNP rs1296549321, ClinGen allele CA410700087.
Genomic context (GRCh38, chr22:19,941,751, plus strand): 5'-CCCATCCTACCTGCTGCGCCCCGCGCCGCGCCCCGCACCCCGCCCGCCACGGCCTGCGTC[C>T]GCCACCGGAAGCGCCCTCCTAATCCCCGCAGCGCCACCGCCATTGCCGCCATCGTCGTGG-3'
Protein context (NP_006431.2, residues 8-28): LRGLGGRFRW[Arg18Gln]TQAVAGGVRG

ClinVar aggregate classification (germline): Uncertain significance. Review status: criteria provided, multiple submitters, no conflicts (2 of 4 stars). 2 submissions from 2 submitters: Uncertain significance (2). Last evaluated 2025-01-10.

Conditions:
Cardiovascular phenotype. Identifiers: MedGen CN230736.

gnomAD v4.1: 4 of 1,503,876 alleles (0.00027%); highest among the groups gnomAD compares: Non-Finnish European, 0.00035%; no homozygotes.

Submissions (2):

Ambry Genetics
Classification: Uncertain significance for Cardiovascular phenotype. Last evaluated: 2025-01-10. Review status: criteria provided, single submitter. Criteria: Ambry Variant Classification Scheme 2023. Collection method: clinical testing. Allele origin: germline.
Comment: The p.R18Q variant (also known as c.53G>A), located in coding exon 1 of the TXNRD2 gene, results from a G to A substitution at nucleotide position 53. The arginine at codon 18 is replaced by glutamine, an amino acid with highly similar properties. This amino acid position is conserved. In addition, this alteration is predicted to be tolerated by in silico analysis. Based on the available evidence, the clinical significance of this variant remains unclear.

GeneDx
Classification: Uncertain significance. Last evaluated: 2022-02-01. Review status: criteria provided, single submitter. Criteria: GeneDx Variant Classification Process June 2021. Collection method: clinical testing. Allele origin: germline. Affected: yes.
Comment: Has not been previously published as pathogenic or benign to our knowledge; In silico analysis supports that this missense variant does not alter protein structure/function